The following is an entry in ClinVar:

ClinVar aggregate classification (germline): Uncertain significance (1 of 4 stars; one submission).

Conditions:
Adams-Oliver syndrome 5 (AOS5). Identifiers: Orphanet 974, MedGen C4014970, MONDO:0014459, OMIM 616028.

Submission:

Labcorp Genetics (formerly Invitae), Labcorp
Classification: Uncertain significance for Adams-Oliver syndrome 5. Last evaluated: 2025-01-30. Review status: criteria provided, single submitter. Criteria: Invitae Variant Classification Sherloc (09022015). Collection method: clinical testing. Allele origin: germline.
Comment: This sequence change replaces valine, which is neutral and non-polar, with methionine, which is neutral and non-polar, at codon 1969 of the NOTCH1 protein (p.Val1969Met). This variant is not present in population databases (gnomAD no frequency). This variant has not been reported in the literature in individuals affected with NOTCH1-related conditions. ClinVar contains an entry for this variant (Variation ID: 948533). Invitae Evidence Modeling of protein sequence and biophysical properties (such as structural, functional, and spatial information, amino acid conservation, physicochemical variation, residue mobility, and thermodynamic stability) indicates that this missense variant is not expected to disrupt NOTCH1 protein function with a negative predictive value of 80%. In summary, the available evidence is currently insufficient to determine the role of this variant in disease. Therefore, it has been classified as a Variant of Uncertain Significance.

NM_017617.5(NOTCH1):c.5905G>A (p.Val1969Met)

Gene: NOTCH1 (notch receptor 1; minus strand). Cytogenetic location: 9q34.3.
Variant type: single nucleotide variant.
Coding change: c.5905G>A on transcript NM_017617.5 (MANE Select); coding-DNA position 5905, G replaced by A.
Protein change: p.Val1969Met; replaces valine 1969 with methionine.
Molecular consequence: missense variant.
Genome position (GRCh38, 1-based): chr9:136,500,581, C>T on the plus strand (G>A on the coding strand, the complement: NOTCH1 is on the minus strand). VCF-style: chr9-136500581-C-T. GRCh37 (hg19) VCF-style: chr9-139395033-C-T.
Other names: short protein forms V1969M.
Identifiers: ClinVar variation 948533 (VCV000948533.9), dbSNP rs1842979490, ClinGen allele CA375636415.